The following is an entry in ClinVar:

NM_002755.4(MAP2K1):c.389A>G (p.Tyr130Cys)

Gene: MAP2K1 (mitogen-activated protein kinase kinase 1; plus strand). Cytogenetic location: 15q22.31.
Variant type: single nucleotide variant.
Coding change: c.389A>G on transcript NM_002755.4 (MANE Select); coding-DNA position 389, A replaced by G.
Protein change: p.Tyr130Cys; replaces tyrosine 130 with cysteine.
Molecular consequence: missense variant.
Genome position (GRCh38, 1-based): chr15:66,436,843, A>G. VCF-style: chr15-66436843-A-G. GRCh37 (hg19) VCF-style: chr15-66729181-A-G.
Other names: p.Y130C:TAT>TGT; NM_002755.3(MAP2K1):c.389A>G; short protein forms Y130C.
Identifiers: ClinVar variation 13351 (VCV000013351.63), dbSNP rs121908595, ClinGen allele CA280036.
Genomic context (GRCh38, chr15:66,436,843, plus strand): 5'-AGATCATAAGGGAGCTGCAGGTTCTGCATGAGTGCAACTCTCCGTACATCGTGGGCTTCT[A>G]TGGTGCGTTCTACAGCGATGGCGAGATCAGTATCTGCATGGAGCACATGGTATGTGACAC-3'
Protein context (NP_002746.1, residues 120-140): ECNSPYIVGF[Tyr130Cys]GAFYSDGEIS

ClinVar aggregate classification (germline): Pathogenic. Review status: reviewed by expert panel (3 of 4 stars). 36 submissions from 36 submitters: Pathogenic (1). 35 of the submissions do not count toward it. Last evaluated 2017-05-09.
ClinVar aggregate classification (oncogenicity): Likely oncogenic (1 of 4 stars; one submission).

Conditions:
MAP2K1-related disorder. Also called: MAP2K1-related disorders; MAP2K1-related condition.
Noonan syndrome 1 (NS1). Also called: TURNER PHENOTYPE WITH NORMAL KARYOTYPE; PTPN11-Related Noonan Syndrome; FEMALE PSEUDO-TURNER SYNDROME. Identifiers: Orphanet 648, MedGen C4551602, MONDO:0008104, OMIM 163950. Disease mechanism: gain of function.
Cardiofaciocutaneous syndrome 3 (CFC3). Also called: MAP2K1-Related Cardiofaciocutaneous Syndrome. Identifiers: Orphanet 1340, MedGen C3809006, MONDO:0014113, OMIM 615279.
Cardiovascular phenotype. Identifiers: MedGen CN230736.
Cardio-facio-cutaneous syndrome. Also called: Cardiofaciocutaneous syndrome; CFC syndrome. Identifiers: Orphanet 1340, MedGen C1275081, MONDO:0015280. Disease mechanism: gain of function.
RASopathy. Also called: rasopathies; Noonan spectrum disorder. Identifiers: Orphanet 536391, MedGen C5555857, MONDO:0021060.
Melorheostosis (MEL). Also called: MELORHEOSTOSIS, ISOLATED. Identifiers: Orphanet 2485, MedGen C3149631, MONDO:0007970, OMIM 155950, HP:6000817.
Cardiofaciocutaneous syndrome 1 (CFC1). Also called: BRAF-Related Cardiofaciocutaneous Syndrome. Identifiers: Orphanet 1340, MedGen CN029449, MONDO:0007265, OMIM 115150. Disease mechanism: gain of function.
Neoplasm. Also called: tumor; Neoplasms; Neoplasm (disease). Identifiers: MedGen C0027651, MeSH D009369, MONDO:0005070, HP:0002664.

Allele frequency attached by ClinVar (database versions not stated): gnomAD exomes below 0.00001.

Submissions 1 to 6 of 37:

ClinGen RASopathy Variant Curation Expert Panel
Classification: Pathogenic for Cardio-facio-cutaneous syndrome. Last evaluated: 2017-05-09. Review status: reviewed by expert panel. Criteria: ClinGen RASopathy ACMG Specifications v1. Collection method: curation. Allele origin: germline. Inheritance: Autosomal dominant inheritance.
Comment: The c.389A>G (p.Tyr130Cys) variant in MAP2K1 has been reported as a confirmed de novo occurrence in at least 2 patients with clinical features of a RASopathy (PS2_VeryStong; PMID 16439621, 17551924, 18042262). In vitro functional studies provide some evidence that the p.Tyr130Cys variant may impact protein function (PS3; PMID 18413255, 23093928, 17981815). This variant was absent from large population studies (PM2; ExAC). The variant is located in the MAP2K1 gene, which has been defined by the ClinGen RASopathy Expert Panel as a gene with a low rate of benign missense variants and pathogenic missense variants are common (PP2; PMID 29493581). Furthermore, the variant is in a location that has been defined by the ClinGen RASopathy Expert Panel to be a mutational hotspot or domain of MAP2K1 (PM1; PMID 29493581). Computational prediction tools and conservation analysis suggest that the p.Tyr130Cys variant may impact the protein (PP3). In summary, this variant meets criteria to be classified as pathogenic for RASopathies in an autosomal dominant manner. Rasopathy-specific ACMG/AMP criteria applied (PMID:29493581): PS2_VeryStrong, PP3, PS3, PM2, PP2, PM1.

3billion
Classification: Pathogenic for Cardiofaciocutaneous syndrome 3. Last evaluated: 2025-12-09. Review status: criteria provided, single submitter. Criteria: ACMG Guidelines, 2015. Collection method: clinical testing. Allele origin: germline. Affected: yes. Not counted in ClinVar's aggregate classification.
Comment: The variant is not observed in the gnomAD v4.1.0 dataset. Predicted Consequence/Location: The variant is located in a mutational hot spot and/or well-established functional domain in which established pathogenic variants have been reported (PMID: 29493581). Missense variant. Missense changes are a common disease-causing mechanism. Functional studies provide strong evidence of the variant having a damaging effect on the gene or gene product (PMID: 17981815, 18413255, 23093928). In silico tool predictions suggest damaging effect of the variant on gene or gene product [REVEL: 0.98 (>=0.6, sensitivity 0.68 and specificity 0.92); 3Cnet: 0.93 (> 0.75, sensitivity 0.96 and precision 0.92)]. The same nucleotide change resulting in the same amino acid change has been previously reported as pathogenic/likely pathogenic with strong evidence (ClinVar ID: VCV000013351 /PMID: 16439621 /3billion dataset). The variant has been previously reported as de novo in at least two similarly affected unrelated individuals (PMID: 16439621, 17551924, 18042262). Different missense changes at the same codon (p.Tyr130Asn, p.Tyr130His) have been reported as pathogenic/likely pathogenic with strong evidence (ClinVar ID: VCV000040747, VCV000636238 /PMID: 18413255, 19156172). Therefore, this variant is classified as Pathogenic according to the recommendation of ACMG/AMP guideline.

Victorian Clinical Genetics Services, Murdoch Childrens Research Institute
Classification: Pathogenic for Cardiofaciocutaneous syndrome 3. Last evaluated: 2025-11-12. Review status: criteria provided, single submitter. Criteria: ACMG Guidelines, 2015. Collection method: clinical testing. Allele origin: germline. Affected: yes. Not counted in ClinVar's aggregate classification.
Comment: This variant is classified as Pathogenic. Evidence in support of pathogenic classification: Variant is present in gnomAD (v2) <0.001 for a dominant condition (1 heterozygote, 0 homozygotes); This variant has strong previous evidence of pathogenicity in unrelated individuals. The variant has previously been found de novo in multiple individuals with cardiofaciocutaneous syndrome 3 (MIM#615279) and has been classified as pathogenic by an FDA recognised database (ClinVar, DECIPHER, PMID: 27862862); This variant has moderate functional evidence supporting abnormal protein function. The variant has been shown to result in increased intrinsic kinase activity compared to wild-type (PMID: 30087384); Other missense variants comparable to the one identified in this case have strong previous evidence for pathogenicity. Alternative changes at the same residue, to histidine and asparagine, have previously been reported as pathogenic in multiple individuals with cardiofaciocutaneous syndrome 3 (MIM#615279) (ClinVar); Missense variant consistently predicted to be damaging by multiple in silico tools and highly conserved with a major amino acid change; Additional information: Variant is predicted to result in a missense amino acid change from tyrosine to cysteine; This variant is heterozygous; This gene is associated with autosomal dominant disease; Variant is located in the annotated protein kinase domain (DECIPHER); Gain of function is a known mechanism of disease in this gene and is associated with cardiofaciocutaneous syndrome 3 (MIM#615279). Pathogenic variants display increased phosphorylation of target proteins (OMIM, PMID: 30087384); Variants in this gene are known to have variable expressivity. The features associated with cardiofaciocutaneous syndrome 3 (MIM#615279), such as the degree of intellectual disability, have been shown to vary widely been reported patients (PMID: 27862862).

Variantyx, Inc.
Classification: Pathogenic for Cardiofaciocutaneous syndrome 3. Last evaluated: 2025-10-16. Review status: criteria provided, single submitter. Criteria: Variantyx Assertion Criteria 2022. Collection method: clinical testing. Allele origin: de novo. Inheritance: Autosomal dominant inheritance. Affected: yes. Not counted in ClinVar's aggregate classification.
Comment: This is a nonsynonymous variant in the MAP2K1 gene (OMIM: 176872). Pathogenic variants in this gene have been associated with autosomal dominant cardiofaciocutaneous syndrome 3. This variant has been reported in several unrelated affected individuals (PMID: 16439621, 24637312, 26350204, 27862862, 31618753, 32369273) (PS4), while it is absent from control populations (PM2). Functional studies have shown that this variant alters MAP2K1 protein function (PMID: 29590634) (PS3_Moderate), and multiple computational algorithms predict a deleterious effect for this variant (REVEL score: 0.977) (PP3). Other reputable laboratories have reported this variant as pathogenic or likely pathogenic, and this classification has been validated by an expert panel in ClinVar (PP5). Based on the current evidence, this variant is classified as pathogenic for autosomal dominant cardiofaciocutaneous syndrome 3.

Genomic Medicine Center of Excellence, King Faisal Specialist Hospital and Research Centre
Classification: Uncertain significance for Cardiofaciocutaneous syndrome 1. Last evaluated: 2025-09-10. Review status: criteria provided, single submitter. Criteria: ACMG Guidelines, 2015. Collection method: clinical testing. Allele origin: germline. Not counted in ClinVar's aggregate classification.

Labcorp Genetics (formerly Invitae), Labcorp
Classification: Pathogenic for RASopathy. Last evaluated: 2025-03-17. Review status: criteria provided, single submitter. Criteria: Invitae Variant Classification Sherloc (09022015). Collection method: clinical testing. Allele origin: germline. Not counted in ClinVar's aggregate classification.
Comment: This sequence change replaces tyrosine, which is neutral and polar, with cysteine, which is neutral and slightly polar, at codon 130 of the MAP2K1 protein (p.Tyr130Cys). This variant is present in population databases (rs121908595, gnomAD 0.0009%). This missense change has been observed in individual(s) with cardio-facio-cutaneous syndrome (PMID: 16439621, 17366577, 17551924, 18413255, 18854871, 24637312, 26350204, 26795593). In at least one individual the variant was observed to be de novo. ClinVar contains an entry for this variant (Variation ID: 13351). Invitae Evidence Modeling of protein sequence and biophysical properties (such as structural, functional, and spatial information, amino acid conservation, physicochemical variation, residue mobility, and thermodynamic stability) indicates that this missense variant is expected to disrupt MAP2K1 protein function with a positive predictive value of 95%. Experimental studies have shown that this missense change affects MAP2K1 function (PMID: 16439621, 18413255, 19376813). For these reasons, this variant has been classified as Pathogenic.